The following is an entry in ClinVar:

ClinVar aggregate classification (germline): Likely benign. Review status: criteria provided, multiple submitters, no conflicts (2 of 4 stars). 3 submissions from 3 submitters: Likely benign (2). 1 of the submissions does not count toward it. Last evaluated 2024-12-12.

Conditions:
Inborn genetic diseases. Identifiers: MedGen C0950123, MeSH D030342.
Fanconi anemia (FA). Also called: Fanconi's anemia. Identifiers: Orphanet 84, MedGen C0015625, MeSH D005199, MONDO:0019391.
FANCA-related disorder. Also called: FANCA-related condition.

gnomAD v4.1: 4 of 1,551,298 alleles (0.00026%); highest among the groups gnomAD compares: African/African-American, 0.0014%; no homozygotes.

Submissions (3):

Ambry Genetics
Classification: Likely benign for Inborn genetic diseases. Last evaluated: 2024-12-12. Review status: criteria provided, single submitter. Criteria: Ambry Variant Classification Scheme 2023. Collection method: clinical testing. Allele origin: germline.

Labcorp Genetics (formerly Invitae), Labcorp
Classification: Likely benign for Fanconi anemia. Last evaluated: 2024-01-27. Review status: criteria provided, single submitter. Criteria: Invitae Variant Classification Sherloc (09022015). Collection method: clinical testing. Allele origin: germline.

PreventionGenetics, part of Exact Sciences
Classification: Likely benign for FANCA-related condition. Last evaluated: 2022-05-23. Review status: no assertion criteria provided. Collection method: clinical testing. Allele origin: germline. Not counted in ClinVar's aggregate classification.
Comment: This variant is classified as likely benign based on ACMG/AMP sequence variant interpretation guidelines (Richards et al. 2015 PMID: 25741868, with internal and published modifications).

NM_000135.4(FANCA):c.3945G>C (p.Leu1315=)

Genes: FANCA (FA complementation group A; minus strand), ZNF276 (zinc finger protein 276; plus strand). Cytogenetic location: 16q24.3.
Variant type: single nucleotide variant.
Coding change: c.3945G>C on transcript NM_000135.4 (MANE Select); coding-DNA position 3945, G replaced by C.
Protein change: p.Leu1315=; no amino-acid change (leucine 1315 retained).
Molecular consequence: synonymous variant. On other transcripts: 3 prime UTR variant (2), non-coding transcript variant (4).
Genome position (GRCh38, 1-based): chr16:89,739,543, C>G on the plus strand (G>C on the coding strand, the complement: FANCA is on the minus strand). VCF-style: chr16-89739543-C-G. GRCh37 (hg19) VCF-style: chr16-89805951-C-G.
Other names: c.3945G>C, p.Leu1315= (NM_001286167.3); c.*1297C>G (NM_001113525.2, NM_152287.4).
Identifiers: ClinVar variation 1095123 (VCV001095123.10), dbSNP rs941282193, ClinGen allele CA497194119.